The following is an entry in ClinVar:

ClinVar aggregate classification (germline): Likely pathogenic (1 of 4 stars; one submission).

Conditions:
Mucolipidosis type II. Also called: ML II ALPHA/BETA; Mucolipidosis 2; ML 2; Inclusion cell disease; Leroy Disease; N-acetylglucosamine 1phosphotransferase deficiency. Identifiers: Orphanet 576, MedGen C2673377, MONDO:0009650, OMIM 252500.
Pseudo-Hurler polydystrophy. Also called: ML III; ML III ALPHA/BETA; Type III Mucolipidosis; ML IIIA; Mucolipidosis III Alpha/Beta; MUCOLIPIDOSIS IIIA. Identifiers: Orphanet 423461, Orphanet 577, MedGen C0033788, MONDO:0018931, OMIM 252600.

Submission:

Labcorp Genetics (formerly Invitae), Labcorp
Classification: Likely pathogenic for Pseudo-Hurler polydystrophy; Mucolipidosis type II. Last evaluated: 2023-05-22. Review status: criteria provided, single submitter. Criteria: Invitae Variant Classification Sherloc (09022015). Collection method: clinical testing. Allele origin: germline.
Comment: This variant is not present in population databases (gnomAD no frequency). This sequence change affects an acceptor splice site in intron 12 of the GNPTAB gene. It is expected to disrupt RNA splicing. Variants that disrupt the donor or acceptor splice site typically lead to a loss of protein function (PMID: 16199547), and loss-of-function variants in GNPTAB are known to be pathogenic (PMID: 19617216, 25107912). This variant has not been reported in the literature in individuals affected with GNPTAB-related conditions. Algorithms developed to predict the effect of sequence changes on RNA splicing suggest that this variant may disrupt the consensus splice site. In summary, the currently available evidence indicates that the variant is pathogenic, but additional data are needed to prove that conclusively. Therefore, this variant has been classified as Likely Pathogenic.

Literature cited by the submitters: PubMed 16199547; PubMed 19617216; PubMed 25107912.

NM_024312.5(GNPTAB):c.1613-1G>C

Gene: GNPTAB (N-acetylglucosamine-1-phosphate transferase subunits alpha and beta; minus strand). Cytogenetic location: 12q23.2.
Variant type: single nucleotide variant.
Coding change: c.1613-1G>C on transcript NM_024312.5 (MANE Select); the canonical splice acceptor site of the intron before coding-DNA position 1613, G replaced by C.
Molecular consequence: splice acceptor variant.
Genome position (GRCh38, 1-based): chr12:101,765,305, C>G on the plus strand (G>C on the coding strand, the complement: GNPTAB is on the minus strand). VCF-style: chr12-101765305-C-G. GRCh37 (hg19) VCF-style: chr12-102159083-C-G.
Identifiers: ClinVar variation 2948077 (VCV002948077.3), dbSNP rs2547958086, ClinGen allele CA386300233.